The following is an entry in ClinVar:

NM_003098.3(SNTA1):c.1186C>T (p.Leu396Phe)

Gene: SNTA1 (syntrophin alpha 1; minus strand). Cytogenetic location: 20q11.21.
Variant type: single nucleotide variant.
Coding change: c.1186C>T on transcript NM_003098.3 (MANE Select); coding-DNA position 1186, C replaced by T.
Protein change: p.Leu396Phe; replaces leucine 396 with phenylalanine.
Molecular consequence: missense variant.
Genome position (GRCh38, 1-based): chr20:33,410,186, G>A on the plus strand (C>T on the coding strand, the complement: SNTA1 is on the minus strand). VCF-style: chr20-33410186-G-A. GRCh37 (hg19) VCF-style: chr20-31997992-G-A.
Other names: c.1186C>T, p.Leu396Phe (NM_001424413.1, NM_001424414.1); short protein forms L396F.
Identifiers: ClinVar variation 3775558 (VCV003775558.1).
Genomic context (GRCh38, chr20:33,410,186, plus strand): 5'-CCAGCACACCTGTAGACACCTCCTGCACACCCTCGGCGGCCCGGTGACAGCCATCCACAA[G>A]CTGGCGGGTCCAGGCAGCCAGCTCCTGCGGTGACTCCACGCTGAACAGGTGAGTGTCCAC-3'
Protein context (NP_003089.1, residues 386-406): PQELAAWTRQ[Leu396Phe]VDGCHRAAEG

ClinVar aggregate classification (germline): Uncertain significance (1 of 4 stars; one submission).

Conditions:
Long QT syndrome 12 (LQT12). Identifiers: Orphanet 101016, Orphanet 768, MedGen C2751830, MONDO:0013062, OMIM 612955.

gnomAD v4.1: 1 of 1,614,090 alleles (0.000062%); highest among the groups gnomAD compares: African/African-American, 0.0013%; no homozygotes.

Submission:

3billion
Classification: Uncertain significance for Long QT syndrome 12. Last evaluated: 2023-10-20. Review status: criteria provided, single submitter. Criteria: ACMG Guidelines, 2015. Collection method: clinical testing. Allele origin: germline. Affected: yes.
Comment: The variant is not observed in the gnomAD v2.1.1 dataset. Predicted Consequence/Location: Missense changes are a common disease-causing mechanism. In silico tool predictions suggest damaging effect of the variant on gene or gene product [REVEL: 0.69 (>=0.6, sensitivity 0.68 and specificity 0.92)]. Therefore, this variant is classified as VUS according to the recommendation of ACMG/AMP guideline.